The following is an entry in ClinVar:

NM_001267550.2(TTN):c.107056G>A (p.Val35686Ile)

Genes: TTN (titin; minus strand), TTN-AS1 (TTN antisense RNA 1; plus strand). Cytogenetic location: 2q31.2.
Variant type: single nucleotide variant.
Coding change: c.107056G>A on transcript NM_001267550.2 (MANE Select); coding-DNA position 107056, G replaced by A.
Protein change: p.Val35686Ile; replaces valine 35686 with isoleucine.
Molecular consequence: missense variant.
Genome position (GRCh38, 1-based): chr2:178,528,695, C>T on the plus strand (G>A on the coding strand, the complement: TTN is on the minus strand). VCF-style: chr2-178528695-C-T. GRCh37 (hg19) VCF-style: chr2-179393422-C-T.
Other names: c.102133G>A, p.Val34045Ile (NM_001256850.1); c.79861G>A, p.Val26621Ile (NM_003319.4); c.99352G>A, p.Val33118Ile (NM_133378.4); c.80236G>A, p.Val26746Ile (NM_133432.3); c.80437G>A, p.Val26813Ile (NM_133437.4); short protein forms V33118I, V35686I, V26813I, V26621I, V26746I, V34045I.
Identifiers: ClinVar variation 498069 (VCV000498069.18), dbSNP rs751581732, ClinGen allele CA1985008.
Genomic context (GRCh38, chr2:178,528,695, plus strand): 5'-AGATGAAGGCTGGAGCATCTGAGAGTTCTTTGCTCAGTGTCAAATCATACTGACACTTGA[C>T]GATTCCTTCCTTGGTTTTGCTTATGCAGGTGAGGATTCCTTCATCTCTGTGACTGGCTTG-3'
Protein context (NP_001254479.2, residues 35676-35696): TCISKTKEGI[Val35686Ile]KCQYDLTLSK

ClinVar aggregate classification (germline): Uncertain significance. Review status: criteria provided, multiple submitters, no conflicts (2 of 4 stars). 3 submissions from 3 submitters: Uncertain significance (3). Last evaluated 2026-07-20.

Conditions:
TTN-related disorder. Also called: TTN-related condition; TTN-related disease; TTN-related disorders.

Allele frequency attached by ClinVar (database versions not stated): gnomAD 0.00001 and 0.00002; TOPMed 0.00001; gnomAD exomes 0.00002 and 0.00004; ExAC 0.00003.
gnomAD v4.1: 58 of 1,613,320 alleles (0.0036%); highest among the groups gnomAD compares: East Asian, 0.013%; no homozygotes.

Submissions (3):

PreventionGenetics, part of Exact Sciences
Classification: Uncertain significance for TTN-related condition. Last evaluated: 2026-07-20. Review status: criteria provided, single submitter. Criteria: ACMG Guidelines, 2015. Collection method: clinical testing. Allele origin: germline.
Comment: The TTN c.107056G>A variant is predicted to result in the amino acid substitution p.Val35686Ile. To our knowledge, this variant has not been reported in the literature. This variant is reported in 0.0065% of alleles in individuals of African descent in gnomAD. At this time, the clinical significance of this variant is uncertain due to the absence of conclusive functional and genetic evidence.

Revvity Omics, Revvity
Classification: Uncertain significance. Last evaluated: 2023-09-25. Review status: criteria provided, single submitter. Criteria: ACMG Guidelines, 2015. Collection method: clinical testing. Allele origin: germline.

Eurofins Ntd Llc (ga)
Classification: Uncertain significance. Last evaluated: 2016-11-17. Review status: criteria provided, single submitter. Criteria: EGL Classification Definitions 2015. Collection method: clinical testing. Allele origin: germline. Observed: 1 variant allele, 1 heterozygote.